The following is an entry in ClinVar:

NM_001267550.2(TTN):c.96586G>A (p.Ala32196Thr)

Genes: TTN (titin; minus strand), TTN-AS1 (TTN antisense RNA 1; plus strand), LOC126806421 (CDK7 strongly-dependent group 2 enhancer GRCh37_chr2:179407630-179408829; plus strand). Cytogenetic location: 2q31.2.
Variant type: single nucleotide variant.
Coding change: c.96586G>A on transcript NM_001267550.2 (MANE Select); coding-DNA position 96586, G replaced by A.
Protein change: p.Ala32196Thr; replaces alanine 32196 with threonine.
Molecular consequence: missense variant.
Genome position (GRCh38, 1-based): chr2:178,543,387, C>T on the plus strand (G>A on the coding strand, the complement: TTN is on the minus strand). VCF-style: chr2-178543387-C-T. GRCh37 (hg19) VCF-style: chr2-179408114-C-T.
Other names: c.91663G>A, p.Ala30555Thr (NM_001256850.1); c.69391G>A, p.Ala23131Thr (NM_003319.4); c.88882G>A, p.Ala29628Thr (NM_133378.4); c.69766G>A, p.Ala23256Thr (NM_133432.3); c.69967G>A, p.Ala23323Thr (NM_133437.4); short protein forms A23131T, A23323T, A29628T, A30555T, A23256T, A32196T.
Identifiers: ClinVar variation 1756227 (VCV001756227.3), dbSNP rs2468929935, ClinGen allele CA349446893.
Genomic context (GRCh38, chr2:178,543,387, plus strand): 5'-TGGTGACATCGACCACTTCTAGCTTTGCAGGCACCAAAGGCACTTCTGAGACCAGTACTG[C>T]ATCAGATGTTTCACAAGGTTCTCCAATGCCATAAATATTTTCTGGCAGCACTCTGAAATA-3'
Protein context (NP_001254479.2, residues 32186-32206): GIGEPCETSD[Ala32196Thr]VLVSEVPLVP

ClinVar aggregate classification (germline): Uncertain significance. Review status: criteria provided, single submitter (1 of 4 stars). 2 submissions from 2 submitters: Uncertain significance (1). 1 of the submissions does not count toward it. Last evaluated 2018-12-18.

Conditions:
TTN-related disorder. Also called: TTN-related condition; TTN-related disease; TTN-related disorders.
Cardiovascular phenotype. Identifiers: MedGen CN230736.

Submissions (2):

Ambry Genetics
Classification: Uncertain significance for Cardiovascular phenotype. Last evaluated: 2018-12-18. Review status: criteria provided, single submitter. Criteria: Ambry Variant Classification Scheme 2023. Collection method: clinical testing. Allele origin: germline.
Comment: The p.A23131T variant (also known as c.69391G>A), located in coding exon 174 of the TTN gene, results from a G to A substitution at nucleotide position 69391. The alanine at codon 23131 is replaced by threonine, an amino acid with similar properties. This amino acid position is well conserved in available vertebrate species. In addition, this alteration is predicted to be tolerated by in silico analysis. Since supporting evidence is limited at this time, the clinical significance of this alteration remains unclear.

PreventionGenetics, part of Exact Sciences
Classification: Uncertain significance for TTN-related condition. Last evaluated: 2024-08-20. Review status: no assertion criteria provided. Collection method: clinical testing. Allele origin: germline. Not counted in ClinVar's aggregate classification.
Comment: The TTN c.96586G>A variant is predicted to result in the amino acid substitution p.Ala32196Thr. To our knowledge, this variant has not been reported in the literature or in a large population database, indicating this variant is rare. At this time, the clinical significance of this variant is uncertain due to the absence of conclusive functional and genetic evidence.